The following is an entry in ClinVar:

NM_004415.4(DSP):c.3474dup (p.Glu1159fs)

Gene: DSP (desmoplakin; plus strand). Cytogenetic location: 6p24.3.
Variant type: Duplication.
Coding change: c.3474dup on transcript NM_004415.4 (MANE Select); coding-DNA position 3474, one base duplicated (A; older notation c.3474dupA).
Protein change: p.Glu1159fs; shifts the reading frame from glutamic acid 1159.
Molecular consequence: frameshift variant.
Genome position (GRCh38, 1-based): chr6:7,579,664, A duplicated. VCF-style (leftmost placement, unchanged base first): chr6-7579663-T-TA. GRCh37 (hg19) VCF-style: chr6-7579896-T-TA.
Other names: p.Glu1159ArgfsX3; c.3474dup, p.Glu1159fs (NM_001008844.3, NM_001319034.2); c.3474dup (LRG_423t1); short protein forms E1159fs.
Identifiers: ClinVar variation 517147 (VCV000517147.13), dbSNP rs727503000, ClinGen allele CA005804.

ClinVar aggregate classification (germline): Pathogenic. Review status: criteria provided, multiple submitters, no conflicts (2 of 4 stars). 3 submissions from 3 submitters: Pathogenic (3). Last evaluated 2026-01-06.

Conditions:
Cardiovascular phenotype. Identifiers: MedGen CN230736.
Primary dilated cardiomyopathy (DCM). Also called: Dilated Cardiomyopathy. Identifiers: Orphanet 217604, MedGen C0007193, MeSH D002311, MONDO:0005021, HP:0001644. Inheritance: Various modes of inheritance.
Arrhythmogenic right ventricular cardiomyopathy (ARVD). Also called: Arrhythmogenic cardiomyopathy; Arrhythmogenic Right Ventricular Cardiomyopathy (ARVC); Cardiomyopathy, ARVC; Arrhythmogenic right ventricular dysplasia. Identifiers: Orphanet 247, MedGen C0349788, MeSH D019571, MONDO:0016587. Disease mechanism: loss of function. Inheritance: Various modes of inheritance.
Arrhythmogenic right ventricular dysplasia 8 (ARVD8). Also called: Arrhythmogenic Right Ventricular Dysplasia/Cardiomyopathy 8; ARRHYTHMOGENIC RIGHT VENTRICULAR DYSPLASIA, FAMILIAL, 8; ARRHYTHMOGENIC RIGHT VENTRICULAR CARDIOMYOPATHY 8. Identifiers: MedGen C1843896, MONDO:0011831, OMIM 607450.
Arrhythmogenic cardiomyopathy with wooly hair and keratoderma. Also called: Dilated cardiomyopathy with woolly hair and keratoderma; Arrhythmogenic cardiomyopathy with woolly hair and keratoderma; PALMOPLANTAR KERATODERMA WITH LEFT VENTRICULAR CARDIOMYOPATHY AND WOOLLY HAIR; Carvajal syndrome. Identifiers: Orphanet 65282, MedGen C1854063, MONDO:0011581, OMIM 605676.

Allele frequency attached by ClinVar (database versions not stated): gnomAD exomes below 0.00001.

Submissions (3):

Labcorp Genetics (formerly Invitae), Labcorp
Classification: Pathogenic for Arrhythmogenic cardiomyopathy with wooly hair and keratoderma; Arrhythmogenic right ventricular dysplasia 8. Last evaluated: 2026-01-06. Review status: criteria provided, single submitter. Criteria: Invitae Variant Classification Sherloc (09022015). Collection method: clinical testing. Allele origin: germline.
Comment: This sequence change creates a premature translational stop signal (p.Glu1159Argfs*3) in the DSP gene. It is expected to result in an absent or disrupted protein product. Loss-of-function variants in DSP are known to be pathogenic (PMID: 20716751, 24503780, 25227139, 30398466). This variant is not present in population databases (gnomAD no frequency). This premature translational stop signal has been observed in individual(s) with clinical features of DSP-related conditions (PMID: 31386562, 32372669). ClinVar contains an entry for this variant (Variation ID: 517147). For these reasons, this variant has been classified as Pathogenic.

Ambry Genetics
Classification: Pathogenic for Cardiovascular phenotype. Last evaluated: 2025-10-07. Review status: criteria provided, single submitter. Criteria: Ambry Variant Classification Scheme 2023. Collection method: clinical testing. Allele origin: germline.
Comment: The c.3474dupA pathogenic mutation, located in coding exon 23 of the DSP gene, results from a duplication of A at nucleotide position 3474, causing a translational frameshift with a predicted alternate stop codon (p.E1159Rfs*3). This variant was reported in individual(s) with features consistent with arrhythmogenic right ventricular cardiomyopathy (ARVC) (Asimaki A et al. Circ Arrhythm Electrophysiol, 2016 Feb;9:e003688). This variant is considered to be rare based on population cohorts in the Genome Aggregation Database (gnomAD). This alteration is expected to result in loss of function by premature protein truncation or nonsense-mediated mRNA decay. As such, this alteration is interpreted as a disease-causing mutation.

Laboratory for Molecular Medicine, Mass General Brigham Personalized Medicine
Classification: Pathogenic for Arrhythmogenic right ventricular cardiomyopathy; Primary dilated cardiomyopathy. Last evaluated: 2018-01-31. Review status: criteria provided, single submitter. Criteria: LMM Criteria. Collection method: clinical testing. Allele origin: germline. Inheritance: Autosomal dominant inheritance. Observed: 13 variant alleles.
Comment: The p.Glu1159fs variant in DSP has been identified in 2 individuals with ARVC an d 1 individual with DCM. It segregated with disease in 5 affected family members from 2 families (Asimaki 2016, LMM data). It was absent from large population s tudies. This variant is predicted to cause a frameshift, which alters the protei n?s amino acid sequence beginning at position 1159 and leads to a premature term ination codon 2 amino acids downstream. This alteration is then predicted to lea d to a truncated or absent protein. Heterozygous loss of function of the DSP gen e is associated with ARVC and DCM. In summary, this variant meets criteria to be classified as pathogenic for ARVC and DCM in an autosomal dominant manner based upon its loss of function impact, case observations, segregation studies, and a bsence from controls. ACMG/AMP Criteria applied: PVS1; PM2; PP1_Moderate; PS4_Su pporting.

Literature cited by the submitters: PubMed 20716751 (cited by Labcorp Genetics (formerly Invitae), Labcorp and Laboratory for Molecular Medicine, Mass General Brigham Personalized Medicine); PubMed 24503780 (cited by Labcorp Genetics (formerly Invitae), Labcorp); PubMed 25227139 (cited by Labcorp Genetics (formerly Invitae), Labcorp); PubMed 30398466 (cited by Labcorp Genetics (formerly Invitae), Labcorp); PubMed 31386562 (cited by Labcorp Genetics (formerly Invitae), Labcorp); PubMed 32372669 (cited by Labcorp Genetics (formerly Invitae), Labcorp); PubMed 26850880 (cited by Ambry Genetics and Laboratory for Molecular Medicine, Mass General Brigham Personalized Medicine); PubMed 21859740 (cited by Laboratory for Molecular Medicine, Mass General Brigham Personalized Medicine).